The following is an entry in ClinVar:

NM_003072.5(SMARCA4):c.3046G>A (p.Val1016Met)

Gene: SMARCA4 (SWI/SNF related BAF chromatin remodeling complex subunit ATPase 4; plus strand). Cytogenetic location: 19p13.2.
Variant type: single nucleotide variant.
Coding change: c.3046G>A on transcript NM_003072.5 (MANE Select); coding-DNA position 3046, G replaced by A.
Protein change: p.Val1016Met; replaces valine 1016 with methionine.
Molecular consequence: missense variant. On other transcripts: non-coding transcript variant (1).
Genome position (GRCh38, 1-based): chr19:11,024,403, G>A. VCF-style: chr19-11024403-G-A. GRCh37 (hg19) VCF-style: chr19-11135079-G-A.
Other names: c.3046G>A, p.Val1016Met (NM_001128844.3, NM_001128845.2, NM_001128846.2 and 6 more transcripts); short protein forms V1016M.
Identifiers: ClinVar variation 4549654 (VCV004549654.1).

ClinVar aggregate classification (germline): Uncertain significance (1 of 4 stars; one submission).

Conditions:
Hereditary cancer-predisposing syndrome. Also called: Tumor predisposition; Hereditary Cancer Syndrome; Hereditary neoplastic syndrome; Neoplastic Syndromes, Hereditary. Identifiers: Orphanet 140162, MedGen C0027672, MeSH D009386, MONDO:0015356.

gnomAD v4.1: 1 of 1,612,828 alleles (0.000062%); highest among the groups gnomAD compares: Non-Finnish European, 0.000085%; no homozygotes.

Submission:

Ambry Genetics
Classification: Uncertain significance for Hereditary cancer-predisposing syndrome. Last evaluated: 2025-11-05. Review status: criteria provided, single submitter. Criteria: Ambry Variant Classification Scheme 2023. Collection method: clinical testing. Allele origin: germline.
Comment: The p.V1016M variant (also known as c.3046G>A), located in coding exon 20 of the SMARCA4 gene, results from a G to A substitution at nucleotide position 3046. The valine at codon 1016 is replaced by methionine, an amino acid with highly similar properties. This amino acid position is well conserved in available vertebrate species. In addition, the in silico prediction for this alteration is inconclusive. Based on the available evidence, the clinical significance of this variant remains unclear.